The following is an entry in ClinVar:

NM_001042492.3(NF1):c.5113del (p.Arg1705fs)

Gene: NF1 (neurofibromin 1; plus strand). Cytogenetic location: 17q11.2.
Variant type: Deletion.
Coding change: c.5113del on transcript NM_001042492.3 (MANE Select); coding-DNA position 5113, one base deleted (A; older notation c.5113delA).
Protein change: p.Arg1705fs; shifts the reading frame from arginine 1705.
Molecular consequence: frameshift variant.
Genome position (GRCh38, 1-based): chr17:31,326,097, A deleted; the last of 4 consecutive A bases (chr17:31,326,094-31,326,097); deleting any one gives the same sequence. VCF-style (leftmost placement, unchanged base first): chr17-31326093-CA-C. GRCh37 (hg19) VCF-style: chr17-29653111-CA-C.
Other names: c.5050delA, p.Arg1684Glyfs (NM_000267.4); short protein forms R1705fs, R1684fs.
Identifiers: ClinVar variation 3722680 (VCV003722680.2).

ClinVar aggregate classification (germline): Pathogenic (1 of 4 stars; one submission).

Conditions:
Neurofibromatosis, type 1 (NF1). Also called: VON RECKLINGHAUSEN DISEASE; NEUROFIBROMATOSIS, TYPE I, SOMATIC; Peripheral type neurofibromatosis; Neurofibromatosis, type I. Identifiers: Orphanet 636, MedGen C0027831, MONDO:0018975, OMIM 162200. Disease mechanism: loss of function.

Submission:

Labcorp Genetics (formerly Invitae), Labcorp
Classification: Pathogenic for Neurofibromatosis, type 1. Last evaluated: 2024-10-19. Review status: criteria provided, single submitter. Criteria: Invitae Variant Classification Sherloc (09022015). Collection method: clinical testing. Allele origin: germline.
Comment: This sequence change creates a premature translational stop signal (p.Arg1684Glyfs*5) in the NF1 gene. It is expected to result in an absent or disrupted protein product. Loss-of-function variants in NF1 are known to be pathogenic (PMID: 10712197, 23913538). This variant is not present in population databases (gnomAD no frequency). This premature translational stop signal has been observed in individual(s) with neurofibromatosis type 1 (PMID: 16944272). For these reasons, this variant has been classified as Pathogenic.

Literature cited by the submitters: PubMed 10712197; PubMed 23913538; PubMed 16944272.